The following is an entry in ClinVar:

ClinVar aggregate classification (germline): Conflicting classifications of pathogenicity. Review status: criteria provided, conflicting classifications (1 of 4 stars). 3 submissions from 3 submitters: Uncertain significance (2); Likely benign (1). Last evaluated 2026-05-27.

Conditions:
Charcot-Marie-Tooth disease type 4. Also called: Charcot-Marie-Tooth disease, type IV; Charcot-Marie-Tooth, Type 4. Identifiers: Orphanet 64749, MedGen C4082197, MONDO:0018995.
Charcot-Marie-Tooth disease. Also called: Charcot-Marie-Tooth Hereditary Neuropathy; Charcot-Marie-Tooth Neuropathy. Identifiers: Orphanet 166, MedGen C0007959, MONDO:0015626.

Allele frequency attached by ClinVar (database versions not stated): gnomAD 0.00001; ExAC 0.00014; 1000 Genomes Project 0.00020; 1000 Genomes Project 30x 0.00031.
gnomAD v4.1: 53 of 1,614,130 alleles (0.0033%); highest among the groups gnomAD compares: South Asian, 0.051%; no homozygotes.

Submissions (3):

Women's Health and Genetics/Laboratory Corporation of America, LabCorp
Classification: Uncertain significance. Last evaluated: 2026-05-27. Review status: criteria provided, single submitter. Criteria: LabCorp Variant Classification Summary - May 2015. Collection method: clinical testing. Allele origin: germline.
Comment: Variant summary: SH3TC2 c.192G>T (p.Arg64Ser) results in a non-conservative amino acid change in the encoded protein sequence. Algorithms developed to predict the effect of missense changes on protein structure and function are either unavailable or do not agree on the potential impact of this missense change. The variant allele was found at a frequency of 9.1e-05 in 251464 control chromosomes. This frequency is not significantly higher than estimated for disease-causing variants in SH3TC2, allowing no conclusion about variant significance. c.192G>T has been observed in at least one individual with suspected Charcot-Marie Tooth disease (example: Volodarsky_2021). This report does not provide unequivocal conclusions about association of the variant with disease. To our knowledge, no experimental evidence demonstrating an impact on protein function has been reported. The following publication has been ascertained in the context of this evaluation (PMID: 32376792). ClinVar contains an entry for this variant (Variation ID: 917275). Based on the evidence outlined above, the variant was classified as uncertain significance.

Labcorp Genetics (formerly Invitae), Labcorp
Classification: Likely benign for Charcot-Marie-Tooth disease type 4. Last evaluated: 2025-11-10. Review status: criteria provided, single submitter. Criteria: Invitae Variant Classification Sherloc (09022015). Collection method: clinical testing. Allele origin: germline.

Molecular Genetics Laboratory, London Health Sciences Centre
Classification: Uncertain significance for Charcot-Marie-Tooth disease. Review status: criteria provided, single submitter. Criteria: ACMG Guidelines, 2015. Collection method: clinical testing. Allele origin: germline. Affected: yes.

Literature cited by the submitters: PubMed 32376792 (cited by Women's Health and Genetics/Laboratory Corporation of America, LabCorp).

NM_024577.4(SH3TC2):c.192G>T (p.Arg64Ser)

Gene: SH3TC2 (SH3 domain and tetratricopeptide repeats 2; minus strand). Cytogenetic location: 5q32.
Variant type: single nucleotide variant.
Coding change: c.192G>T on transcript NM_024577.4 (MANE Select); coding-DNA position 192, G replaced by T.
Protein change: p.Arg64Ser; replaces arginine 64 with serine.
Molecular consequence: missense variant.
Genome position (GRCh38, 1-based): chr5:149,047,949, C>A on the plus strand (G>T on the coding strand, the complement: SH3TC2 is on the minus strand). VCF-style: chr5-149047949-C-A. GRCh37 (hg19) VCF-style: chr5-148427512-C-A.
Other names: short protein forms R64S.
Identifiers: ClinVar variation 917275 (VCV000917275.3), dbSNP rs571440448, ClinGen allele CA3499599.